The following is an entry in ClinVar:

NM_138386.3(NAF1):c.1183T>G (p.Phe395Val)

Gene: NAF1 (nuclear assembly factor 1 ribonucleoprotein; minus strand). Cytogenetic location: 4q32.2.
Variant type: single nucleotide variant.
Coding change: c.1183T>G on transcript NM_138386.3 (MANE Select); coding-DNA position 1183, T replaced by G.
Protein change: p.Phe395Val; replaces phenylalanine 395 with valine.
Molecular consequence: missense variant. On other transcripts: intron variant (1).
Genome position (GRCh38, 1-based): chr4:163,129,199, A>C on the plus strand (T>G on the coding strand, the complement: NAF1 is on the minus strand). VCF-style: chr4-163129199-A-C. GRCh37 (hg19) VCF-style: chr4-164050351-A-C.
Other names: c.1034-2084T>G (NM_001128931.2); short protein forms F395V.
Identifiers: ClinVar variation 4694586 (VCV004694586.1).

ClinVar aggregate classification (germline): Uncertain significance (1 of 4 stars; one submission).

gnomAD v4.1: 18 of 1,613,918 alleles (0.0011%); highest among the groups gnomAD compares: Non-Finnish European, 0.0015%; no homozygotes.

Submission:

Labcorp Genetics (formerly Invitae), Labcorp
Classification: Uncertain significance. Last evaluated: 2025-03-10. Review status: criteria provided, single submitter. Criteria: Invitae Variant Classification Sherloc (09022015). Collection method: clinical testing. Allele origin: germline.
Comment: This sequence change replaces phenylalanine, which is neutral and non-polar, with valine, which is neutral and non-polar, at codon 395 of the NAF1 protein (p.Phe395Val). This variant is present in population databases (rs756651005, gnomAD 0.004%). This variant has not been reported in the literature in individuals affected with NAF1-related conditions. An algorithm developed to predict the effect of missense changes on protein structure and function (PolyPhen-2) suggests that this variant is likely to be tolerated. In summary, the available evidence is currently insufficient to determine the role of this variant in disease. Therefore, it has been classified as a Variant of Uncertain Significance.